The following is an entry in ClinVar:

ClinVar aggregate classification (germline): Uncertain significance (1 of 4 stars; one submission).

Conditions:
Inborn genetic diseases. Identifiers: MedGen C0950123, MeSH D030342.

Submission:

Ambry Genetics
Classification: Uncertain significance for Inborn genetic diseases. Last evaluated: 2025-07-24. Review status: criteria provided, single submitter. Criteria: Ambry Variant Classification Scheme 2023. Collection method: clinical testing. Allele origin: germline.
Comment: The p.I55M variant (also known as c.165C>G), located in coding exon 1 of the G6PC3 gene, results from a C to G substitution at nucleotide position 165. The isoleucine at codon 55 is replaced by methionine, an amino acid with highly similar properties. This amino acid position is conserved. In addition, this alteration is predicted to be tolerated by in silico analysis. Based on the available evidence, the clinical significance of this variant remains unclear.

NM_138387.4(G6PC3):c.165C>G (p.Ile55Met)

Genes: G6PC3 (glucose-6-phosphatase catalytic subunit 3; plus strand), LOC130060959 (ATAC-STARR-seq lymphoblastoid active region 12250; plus strand). Cytogenetic location: 17q21.31.
Variant type: single nucleotide variant.
Coding change: c.165C>G on transcript NM_138387.4 (MANE Select); coding-DNA position 165, C replaced by G.
Protein change: p.Ile55Met; replaces isoleucine 55 with methionine.
Molecular consequence: missense variant. On other transcripts: 5 prime UTR variant (3), intron variant (1).
Genome position (GRCh38, 1-based): chr17:44,071,130, C>G. VCF-style: chr17-44071130-C-G. GRCh37 (hg19) VCF-style: chr17-42148498-C-G.
Other names: c.165C>G, p.Ile55Met (NM_001319945.2); c.-240C>G (NM_001384165.1); c.-375C>G (NM_001384166.1); c.-365C>G (NM_001384167.1); c.-312+416C>G (NM_001384168.1); short protein forms I55M.
Identifiers: ClinVar variation 4260985 (VCV004260985.1).